The following is an entry in ClinVar:

ClinVar aggregate classification (germline): Uncertain significance (1 of 4 stars; one submission).

Submission:

Labcorp Genetics (formerly Invitae), Labcorp
Classification: Uncertain significance. Last evaluated: 2025-10-21. Review status: criteria provided, single submitter. Criteria: Invitae Variant Classification Sherloc (09022015). Collection method: clinical testing. Allele origin: germline.
Comment: This sequence change replaces proline, which is neutral and non-polar, with leucine, which is neutral and non-polar, at codon 478 of the ANKZF1 protein (p.Pro478Leu). This variant is not present in population databases (gnomAD no frequency). This variant has not been reported in the literature in individuals affected with ANKZF1-related conditions. ClinVar contains an entry for this variant (Variation ID: 2792416). An algorithm developed to predict the effect of missense changes on protein structure and function outputs the following: PolyPhen-2: "Benign". The leucine amino acid residue is found in multiple mammalian species, which suggests that this missense change does not adversely affect protein function. In summary, the available evidence is currently insufficient to determine the role of this variant in disease. Therefore, it has been classified as a Variant of Uncertain Significance.

NM_018089.3(ANKZF1):c.1433C>T (p.Pro478Leu)

Gene: ANKZF1 (ankyrin repeat and zinc finger peptidyl tRNA hydrolase 1; plus strand). Cytogenetic location: 2q35.
Variant type: single nucleotide variant.
Coding change: c.1433C>T on transcript NM_018089.3 (MANE Select); coding-DNA position 1433, C replaced by T.
Protein change: p.Pro478Leu; replaces proline 478 with leucine.
Molecular consequence: missense variant.
Genome position (GRCh38, 1-based): chr2:219,235,054, C>T. VCF-style: chr2-219235054-C-T. GRCh37 (hg19) VCF-style: chr2-220099776-C-T.
Other names: c.1433C>T, p.Pro478Leu (NM_001042410.2); c.803C>T, p.Pro268Leu (NM_001282792.2); short protein forms P268L, P478L.
Identifiers: ClinVar variation 2792416 (VCV002792416.3), dbSNP rs1045388904, ClinGen allele CA350681369.